The following is an entry in ClinVar:

NM_001002295.2(GATA3):c.730C>G (p.Pro244Ala)

Gene: GATA3 (GATA binding protein 3; plus strand). Cytogenetic location: 10p14.
Variant type: single nucleotide variant.
Coding change: c.730C>G on transcript NM_001002295.2 (MANE Select); coding-DNA position 730, C replaced by G.
Protein change: p.Pro244Ala; replaces proline 244 with alanine.
Molecular consequence: missense variant.
Genome position (GRCh38, 1-based): chr10:8,058,793, C>G. VCF-style: chr10-8058793-C-G. GRCh37 (hg19) VCF-style: chr10-8100756-C-G.
Other names: c.730C>G, p.Pro244Ala (NM_002051.3); short protein forms P244A.
Identifiers: ClinVar variation 2526064 (VCV002526064.5), dbSNP rs140982061, ClinGen allele CA5404445.

ClinVar aggregate classification (germline): Uncertain significance. Review status: criteria provided, multiple submitters, no conflicts (2 of 4 stars). 3 submissions from 3 submitters: Uncertain significance (3). Last evaluated 2025-06-22.

Conditions:
Inborn genetic diseases. Identifiers: MedGen C0950123, MeSH D030342.
Hypoparathyroidism, deafness, renal disease syndrome (HDRS). Also called: HYPOPARATHYROIDISM, SENSORINEURAL DEAFNESS, AND RENAL DYSPLASIA SYNDROME. Identifiers: Orphanet 2237, MedGen C1840333, MONDO:0007797, OMIM 146255.

Allele frequency attached by ClinVar (database versions not stated): TOPMed 0.00004; ESP Exome Variant Server 0.00015.
gnomAD v4.1: 16 of 1,608,588 alleles (0.00099%); highest among the groups gnomAD compares: African/African-American, 0.02%; no homozygotes.

Submissions (3):

Labcorp Genetics (formerly Invitae), Labcorp
Classification: Uncertain significance. Last evaluated: 2025-06-22. Review status: criteria provided, single submitter. Criteria: Invitae Variant Classification Sherloc (09022015). Collection method: clinical testing. Allele origin: germline.
Comment: This sequence change replaces proline, which is neutral and non-polar, with alanine, which is neutral and non-polar, at codon 244 of the GATA3 protein (p.Pro244Ala). This variant is present in population databases (rs140982061, gnomAD 0.03%). This variant has not been reported in the literature in individuals affected with GATA3-related conditions. ClinVar contains an entry for this variant (Variation ID: 2526064). An algorithm developed to predict the effect of missense changes on protein structure and function (PolyPhen-2) suggests that this variant is likely to be tolerated. In summary, the available evidence is currently insufficient to determine the role of this variant in disease. Therefore, it has been classified as a Variant of Uncertain Significance.

Fulgent Genetics
Classification: Uncertain significance for Hypoparathyroidism, deafness, renal disease syndrome. Last evaluated: 2024-03-07. Review status: criteria provided, single submitter. Criteria: ACMG Guidelines, 2015. Collection method: clinical testing. Allele origin: germline.

Ambry Genetics
Classification: Uncertain significance for Inborn genetic diseases. Last evaluated: 2023-03-17. Review status: criteria provided, single submitter. Criteria: Ambry Variant Classification Scheme 2023. Collection method: clinical testing. Allele origin: germline.